The following is an entry in ClinVar:

ClinVar aggregate classification (germline): Uncertain significance (1 of 4 stars; one submission).

Allele frequency attached by ClinVar (database versions not stated): ExAC 0.00001; gnomAD 0.00001; gnomAD exomes 0.00001; TOPMed 0.00002; ESP Exome Variant Server 0.00008.
gnomAD v4.1: 19 of 1,614,076 alleles (0.0012%); highest among the groups gnomAD compares: African/African-American, 0.0027%; no homozygotes.

Submission:

Labcorp Genetics (formerly Invitae), Labcorp
Classification: Uncertain significance. Last evaluated: 2022-07-17. Review status: criteria provided, single submitter. Criteria: Invitae Variant Classification Sherloc (09022015). Collection method: clinical testing. Allele origin: germline.
Comment: This sequence change replaces glutamine, which is neutral and polar, with leucine, which is neutral and non-polar, at codon 628 of the TCF20 protein (p.Gln628Leu). This variant is present in population databases (rs149867977, gnomAD 0.004%). This variant has not been reported in the literature in individuals affected with TCF20-related conditions. Algorithms developed to predict the effect of missense changes on protein structure and function (SIFT, PolyPhen-2, Align-GVGD) all suggest that this variant is likely to be tolerated. In summary, the available evidence is currently insufficient to determine the role of this variant in disease. Therefore, it has been classified as a Variant of Uncertain Significance.

NM_001378418.1(TCF20):c.1883A>T (p.Gln628Leu)

Gene: TCF20 (transcription factor 20; minus strand). Cytogenetic location: 22q13.2.
Variant type: single nucleotide variant.
Coding change: c.1883A>T on transcript NM_001378418.1 (MANE Select); coding-DNA position 1883, A replaced by T.
Protein change: p.Gln628Leu; replaces glutamine 628 with leucine.
Molecular consequence: missense variant.
Genome position (GRCh38, 1-based): chr22:42,213,423, T>A on the plus strand (A>T on the coding strand, the complement: TCF20 is on the minus strand). VCF-style: chr22-42213423-T-A. GRCh37 (hg19) VCF-style: chr22-42609429-T-A.
Other names: c.1883A>T, p.Gln628Leu (NM_005650.4, NM_181492.3); short protein forms Q628L.
Identifiers: ClinVar variation 1985425 (VCV001985425.4), dbSNP rs149867977, ClinGen allele CA10267098.